The following is an entry in ClinVar:

NM_004100.5(EYA4):c.1616G>C (p.Arg539Thr)

Genes: TARID (TCF21 antisense RNA inducing promoter demethylation; minus strand), EYA4 (EYA transcriptional coactivator and phosphatase 4; plus strand). Cytogenetic location: 6q23.2.
Variant type: single nucleotide variant.
Coding change: c.1616G>C on transcript NM_004100.5 (MANE Select); coding-DNA position 1616, G replaced by C.
Protein change: p.Arg539Thr; replaces arginine 539 with threonine.
Molecular consequence: missense variant.
Genome position (GRCh38, 1-based): chr6:133,515,435, G>C. VCF-style: chr6-133515435-G-C. GRCh37 (hg19) VCF-style: chr6-133836573-G-C.
Other names: c.1454G>C, p.Arg485Thr (NM_001301012.2); c.1634G>C, p.Arg545Thr (NM_001301013.2); c.1547G>C, p.Arg516Thr (NM_001370458.1, NM_172103.4); c.1472G>C, p.Arg491Thr (NM_001370459.1); c.1616G>C, p.Arg539Thr (NM_172105.4); short protein forms R485T, R516T, R539T, R545T, R491T.
Identifiers: ClinVar variation 2701973 (VCV002701973.3), dbSNP rs2535380275, ClinGen allele CA365695660.

ClinVar aggregate classification (germline): Uncertain significance (1 of 4 stars; one submission).

Conditions:
Dilated cardiomyopathy 1J (CMD1J). Also called: CARDIOMYOPATHY, DILATED, WITH SENSORINEURAL HEARING LOSS, AUTOSOMAL DOMINANT. Identifiers: Orphanet 217622, MedGen C1854368, MONDO:0011541, OMIM 605362.

Allele frequency attached by ClinVar (database versions not stated): gnomAD exomes below 0.00001.
gnomAD v4.1: 1 of 1,505,354 alleles (0.000066%); highest among the groups gnomAD compares: Non-Finnish European, 0.000093%; no homozygotes.

Submission:

Labcorp Genetics (formerly Invitae), Labcorp
Classification: Uncertain significance for Dilated cardiomyopathy 1J. Last evaluated: 2023-12-10. Review status: criteria provided, single submitter. Criteria: Invitae Variant Classification Sherloc (09022015). Collection method: clinical testing. Allele origin: germline.
Comment: This sequence change replaces arginine, which is basic and polar, with threonine, which is neutral and polar, at codon 539 of the EYA4 protein (p.Arg539Thr). This variant also falls at the last nucleotide of exon 17, which is part of the consensus splice site for this exon. This variant is not present in population databases (gnomAD no frequency). This variant has not been reported in the literature in individuals affected with EYA4-related conditions. An algorithm developed to predict the effect of missense changes on protein structure and function (PolyPhen-2) suggests that this variant is likely to be disruptive. Variants that disrupt the consensus splice site are a relatively common cause of aberrant splicing (PMID: 17576681, 9536098). Algorithms developed to predict the effect of sequence changes on RNA splicing suggest that this variant may disrupt the consensus splice site. In summary, the available evidence is currently insufficient to determine the role of this variant in disease. Therefore, it has been classified as a Variant of Uncertain Significance.

Literature cited by the submitters: PubMed 17576681; PubMed 9536098.